The following is an entry in ClinVar:

ClinVar aggregate classification (germline): Uncertain significance. Review status: criteria provided, multiple submitters, no conflicts (2 of 4 stars). 3 submissions from 3 submitters: Uncertain significance (3). Last evaluated 2025-07-30.

Conditions:
Hereditary cancer-predisposing syndrome. Also called: Neoplastic Syndromes, Hereditary; Tumor predisposition; Hereditary Cancer Syndrome; Hereditary neoplastic syndrome. Identifiers: Orphanet 140162, MedGen C0027672, MeSH D009386, MONDO:0015356.
Ataxia-telangiectasia syndrome (AT). Also called: LOUIS-BAR SYNDROME; Cerebello-oculocutaneous telangiectasia; Immunodeficiency with ataxia telangiectasia; Ataxia telangiectasia (A-T); Ataxia-telangiectasia, complementation group D; AT, COMPLEMENTATION GROUP C. Identifiers: Orphanet 100, MedGen C0004135, MONDO:0008840, OMIM 208900.

Submissions (3):

Labcorp Genetics (formerly Invitae), Labcorp
Classification: Uncertain significance for Ataxia-telangiectasia syndrome. Last evaluated: 2025-07-30. Review status: criteria provided, single submitter. Criteria: Invitae Variant Classification Sherloc (09022015). Collection method: clinical testing. Allele origin: germline.
Comment: This variant, c.8397_8398delinsAA, is a complex sequence change that results in the deletion of 2 and insertion of 2 amino acid(s) in the ATM protein (p.Phe2799_Gln2800delinsLeuLys). Information on the frequency of this variant in the gnomAD database is not available, as this variant may be reported differently in the database. This variant has not been reported in the literature in individuals affected with ATM-related conditions. ClinVar contains an entry for this variant (Variation ID: 1503916). Experimental studies and prediction algorithms are not available or were not evaluated, and the functional significance of this variant is currently unknown. In summary, the available evidence is currently insufficient to determine the role of this variant in disease. Therefore, it has been classified as a Variant of Uncertain Significance.

Ambry Genetics
Classification: Uncertain significance for Hereditary cancer-predisposing syndrome. Last evaluated: 2025-01-03. Review status: criteria provided, single submitter. Criteria: Ambry Variant Classification Scheme 2023. Collection method: clinical testing. Allele origin: germline.
Comment: The c.8397_8398delTCinsAA variant (also known as p.F2799_Q2800delinsLK), located in coding exon 56 of the ATM gene, results from an in-frame deletion of TC and insertion of AA at nucleotide positions 8397 to 8398. This results in the substitution of the phenylalanine and glutamine residues for a leucine and lysine residue at codon 2799-2800. This amino acid region is not well conserved in available vertebrate species. In addition, this alteration is predicted to be neutral by in silico analysis (Choi Y et al. PLoS ONE. 2012; 7(10):e46688). Based on the available evidence, the clinical significance of this variant remains unclear.

Color Diagnostics, LLC DBA Color Health
Classification: Uncertain significance for Hereditary cancer-predisposing syndrome. Last evaluated: 2023-12-05. Review status: criteria provided, single submitter. Criteria: ACMG Guidelines, 2015. Collection method: clinical testing. Allele origin: germline.
Comment: This missense variant replaces phenylalanine and glutamine with leucine and lysine at codon 2799 and 2800 of the ATM protein. To our knowledge, functional studies have not been reported for this variant. This variant has not been reported in individuals affected with hereditary cancer in the literature. This variant has not been identified in the general population by the Genome Aggregation Database (gnomAD). The available evidence is insufficient to determine the role of this variant in disease conclusively. Therefore, this variant is classified as a Variant of Uncertain Significance.

NM_000051.4(ATM):c.8397_8398delinsAA (p.Phe2799_Gln2800delinsLeuLys)

Genes: ATM (ATM serine/threonine kinase; plus strand), C11orf65 (chromosome 11 open reading frame 65; minus strand). Cytogenetic location: 11q22.3.
Variant type: Indel.
Coding change: c.8397_8398delinsAA on transcript NM_000051.4 (MANE Select); coding-DNA positions 8397 to 8398, TC replaced by AA.
Protein change: p.Phe2799_Gln2800delinsLeuLys.
Molecular consequence: missense variant. On other transcripts: intron variant (2).
Genome position (GRCh38, 1-based): chr11:108,343,350-108,343,351, TC replaced by AA. VCF-style: chr11-108343350-TC-AA. GRCh37 (hg19) VCF-style: chr11-108214077-TC-AA.
Other names: c.8397_8398delinsAA, p.Phe2799_Gln2800delinsLeuLys (NM_001351834.2); c.641-34280_641-34279delinsTT (NM_001330368.2); c.695-8059_695-8058delinsTT (NM_001351110.2).
Identifiers: ClinVar variation 1503916 (VCV001503916.9), dbSNP rs2136952226, ClinGen allele CA2573146756.
Genomic context (GRCh38, chr11:108,343,350, plus strand): 5'-TCTTGTTAACAATGAAGATGGTGCTCATAAAAGATACAGGCCAAATGATTTCAGTGCCTT[TC>AA]AGTGCCAAAAGAAAATGATGGTGAGTGACACCCAAAATTAAAGGTTATTGTAAGATTATT-3'